The following is an entry in ClinVar:

ClinVar aggregate classification (germline): Pathogenic (1 of 4 stars; one submission).

Conditions:
Microphthalmia, isolated, with coloboma 3 (MCOPCB3). Also called: MICROPHTHALMIA/COLOBOMA 3; MICROPHTHALMIA, COLOBOMATOUS, 3. Identifiers: Orphanet 98938, MedGen C1864721, MONDO:0012408, OMIM 610092.

Submission:

Myriad Genetics, Inc.
Classification: Pathogenic for Microphthalmia, isolated, with coloboma 3. Last evaluated: 2024-05-14. Review status: criteria provided, single submitter. Criteria: Myriad Autosomal Dominant, Autosomal Recessive and X-Linked Classification Criteria (2023). Collection method: clinical testing. Allele origin: unknown.
Comment: NM_182894.2(VSX2):c.129_130ins13(P44Tfs*87) is expected to be pathogenic in the context of microphthalmia, anophthalmia, and coloboma, VSX2-related. This variant is predicted to lead to an abnormal or absent protein product due to the creation of a premature termination codon in VSX2, a gene where loss-of-function variants are known to be pathogenic. Please note: this variant was assessed in the context of healthy population screening.

NM_182894.3(VSX2):c.129_130insACTGTCTCTTATA (p.Pro44fs)

Gene: VSX2 (visual system homeobox 2; plus strand). Cytogenetic location: 14q24.3.
Variant type: Insertion.
Coding change: c.129_130insACTGTCTCTTATA on transcript NM_182894.3 (MANE Select); coding-DNA positions 129 to 130, ACTGTCTCTTATA inserted.
Protein change: p.Pro44fs; shifts the reading frame from proline 44.
Molecular consequence: frameshift variant.
Genome position: GRCh38 VCF-style: chr14-74239690-G-GACTGTCTCTTATA. GRCh37 (hg19) VCF-style: chr14-74706393-G-GACTGTCTCTTATA.
Other names: short protein forms P44fs.
Identifiers: ClinVar variation 5011052 (VCV005011052.1).